The following is an entry in ClinVar:

ClinVar aggregate classification (germline): Uncertain significance (0 of 4 stars; one submission).

Conditions:
Hermansky-Pudlak syndrome 3 (HPS3). Identifiers: Orphanet 231512, Orphanet 79430, MedGen C3888001, MONDO:0013555, OMIM 614072.

Submission:

ISTH-SSC Genomics in Thrombosis and Hemostasis, KU Leuven, Center for Molecular and Vascular Biology
Classification: Uncertain significance for Hermansky-Pudlak syndrome 3. Review status: no assertion criteria provided. Collection method: research. Allele origin: unknown. Affected: yes.
Comment: Submitted to GoldVariant by Dr Marie-Christine Morel-Kopp from Northern Blood Research Centre, Sydney, Australia

NM_032383.5(HPS3):c.2150T>A (p.Ile717Asn)

Gene: HPS3 (HPS3 biogenesis of lysosomal organelles complex 2 subunit 1; plus strand). Cytogenetic location: 3q24.
Variant type: single nucleotide variant.
Coding change: c.2150T>A on transcript NM_032383.5 (MANE Select); coding-DNA position 2150, T replaced by A.
Protein change: p.Ile717Asn; replaces isoleucine 717 with asparagine.
Molecular consequence: missense variant.
Genome position (GRCh38, 1-based): chr3:149,162,191, T>A. VCF-style: chr3-149162191-T-A. GRCh37 (hg19) VCF-style: chr3-148879978-T-A.
Other names: c.1655T>A, p.Ile552Asn (NM_001308258.2); short protein forms I552N, I717N.
Identifiers: ClinVar variation 1695386 (VCV001695386.1), dbSNP rs2108168208, ClinGen allele CA354923922.
Genomic context (GRCh38, chr3:149,162,191, plus strand): 5'-TTCTTTCTTATCTGAAGATGAAGTTGGTATGTGGCTTCATTCTGGAACCTCGGCTGTTGA[T>A]TCAACAGAGAAAGGGACAGATTGTTCCAACCGAGCTTGCACTTCACTTGAAGGAAACTCA-3'
Protein context (NP_115759.2, residues 707-727): CGFILEPRLL[Ile717Asn]QQRKGQIVPT